The following is an entry in ClinVar:

NM_031220.4(PITPNM3):c.1478G>C (p.Arg493Pro)

Gene: PITPNM3 (PITPNM family member 3; minus strand). Cytogenetic location: 17p13.2.
Variant type: single nucleotide variant.
Coding change: c.1478G>C on transcript NM_031220.4 (MANE Select); coding-DNA position 1478, G replaced by C.
Protein change: p.Arg493Pro; replaces arginine 493 with proline.
Molecular consequence: missense variant.
Genome position (GRCh38, 1-based): chr17:6,471,307, C>G on the plus strand (G>C on the coding strand, the complement: PITPNM3 is on the minus strand). VCF-style: chr17-6471307-C-G. GRCh37 (hg19) VCF-style: chr17-6374627-C-G.
Other names: c.1370G>C, p.Arg457Pro (NM_001165966.2); short protein forms R493P, R457P.
Identifiers: ClinVar variation 1380762 (VCV001380762.6), dbSNP rs727504085, ClinGen allele CA397405402.

ClinVar aggregate classification (germline): Uncertain significance (1 of 4 stars; one submission).

Submission:

Labcorp Genetics (formerly Invitae), Labcorp
Classification: Uncertain significance. Last evaluated: 2021-09-21. Review status: criteria provided, single submitter. Criteria: Invitae Variant Classification Sherloc (09022015). Collection method: clinical testing. Allele origin: germline.
Comment: This sequence change replaces arginine with proline at codon 493 of the PITPNM3 protein (p.Arg493Pro). The arginine residue is weakly conserved and there is a moderate physicochemical difference between arginine and proline. This variant is not present in population databases (ExAC no frequency). This variant has not been reported in the literature in individuals affected with PITPNM3-related conditions. Algorithms developed to predict the effect of missense changes on protein structure and function (SIFT, PolyPhen-2, Align-GVGD) all suggest that this variant is likely to be tolerated. In summary, the available evidence is currently insufficient to determine the role of this variant in disease. Therefore, it has been classified as a Variant of Uncertain Significance.